The following is an entry in ClinVar:

ClinVar aggregate classification (germline): Uncertain significance (1 of 4 stars; one submission).

Conditions:
Leukocyte adhesion deficiency 1 (LAD1). Also called: LEUKOCYTE ADHESION DEFICIENCY, TYPE I; LAD 1; Lymphocyte function-associated antigen 1 immunodeficiency; LFA 1 immunodeficiency. Identifiers: Orphanet 2968, Orphanet 99842, MedGen C0398738, MONDO:0007293, OMIM 116920.

Allele frequency attached by ClinVar (database versions not stated): ExAC 0.00002; gnomAD exomes 0.00002.
gnomAD v4.1: 11 of 1,608,540 alleles (0.00068%); highest among the groups gnomAD compares: South Asian, 0.012%; no homozygotes.

Submission:

Labcorp Genetics (formerly Invitae), Labcorp
Classification: Uncertain significance for Leukocyte adhesion deficiency 1. Last evaluated: 2025-02-17. Review status: criteria provided, single submitter. Criteria: Invitae Variant Classification Sherloc (09022015). Collection method: clinical testing. Allele origin: germline.
Comment: This sequence change replaces proline, which is neutral and non-polar, with serine, which is neutral and polar, at codon 638 of the ITGB2 protein (p.Pro638Ser). This variant is present in population databases (rs759804012, gnomAD 0.01%). This variant has not been reported in the literature in individuals affected with ITGB2-related conditions. ClinVar contains an entry for this variant (Variation ID: 2161483). Invitae Evidence Modeling of protein sequence and biophysical properties (such as structural, functional, and spatial information, amino acid conservation, physicochemical variation, residue mobility, and thermodynamic stability) has been performed for this missense variant. However, the output from this modeling did not meet the statistical confidence thresholds required to predict the impact of this variant on ITGB2 protein function. In summary, the available evidence is currently insufficient to determine the role of this variant in disease. Therefore, it has been classified as a Variant of Uncertain Significance.

NM_000211.5(ITGB2):c.1912C>T (p.Pro638Ser)

Gene: ITGB2 (integrin subunit beta 2; minus strand). Cytogenetic location: 21q22.3.
Variant type: single nucleotide variant.
Coding change: c.1912C>T on transcript NM_000211.5 (MANE Select); coding-DNA position 1912, C replaced by T.
Protein change: p.Pro638Ser; replaces proline 638 with serine.
Molecular consequence: missense variant.
Genome position (GRCh38, 1-based): chr21:44,888,861, G>A on the plus strand (C>T on the coding strand, the complement: ITGB2 is on the minus strand). VCF-style: chr21-44888861-G-A. GRCh37 (hg19) VCF-style: chr21-46308776-G-A.
Other names: c.1912C>T, p.Pro638Ser (NM_001127491.3); c.1705C>T, p.Pro569Ser (NM_001303238.2); short protein forms P569S, P638S.
Identifiers: ClinVar variation 2161483 (VCV002161483.2), dbSNP rs759804012, ClinGen allele CA10062635.